The following is an entry in ClinVar:

ClinVar aggregate classification (germline): Uncertain significance (1 of 4 stars; one submission).

Allele frequency attached by ClinVar (database versions not stated): gnomAD exomes below 0.00001.
gnomAD v4.1: 1 of 1,614,136 alleles (0.000062%); highest among the groups gnomAD compares: Admixed American, 0.0017%; no homozygotes.

Submission:

Labcorp Genetics (formerly Invitae), Labcorp
Classification: Uncertain significance. Last evaluated: 2022-06-04. Review status: criteria provided, single submitter. Criteria: Invitae Variant Classification Sherloc (09022015). Collection method: clinical testing. Allele origin: germline.
Comment: In summary, the available evidence is currently insufficient to determine the role of this variant in disease. Therefore, it has been classified as a Variant of Uncertain Significance. Algorithms developed to predict the effect of missense changes on protein structure and function output the following: SIFT: "Tolerated"; PolyPhen-2: "Benign"; Align-GVGD: "Class C0". The arginine amino acid residue is found in multiple mammalian species, which suggests that this missense change does not adversely affect protein function. This variant has not been reported in the literature in individuals affected with SLC39A14-related conditions. This variant is present in population databases (no rsID available, gnomAD 0.003%). This sequence change replaces glutamine, which is neutral and polar, with arginine, which is basic and polar, at codon 80 of the SLC39A14 protein (p.Gln80Arg).

NM_001128431.4(SLC39A14):c.239A>G (p.Gln80Arg)

Gene: SLC39A14 (solute carrier family 39 member 14; plus strand). Cytogenetic location: 8p21.3.
Variant type: single nucleotide variant.
Coding change: c.239A>G on transcript NM_001128431.4 (MANE Select); coding-DNA position 239, A replaced by G.
Protein change: p.Gln80Arg; replaces glutamine 80 with arginine.
Molecular consequence: missense variant.
Genome position (GRCh38, 1-based): chr8:22,404,949, A>G. VCF-style: chr8-22404949-A-G. GRCh37 (hg19) VCF-style: chr8-22262462-A-G.
Other names: c.239A>G, p.Gln80Arg (NM_001135153.3, NM_001135154.3, NM_001351655.2 and 3 more transcripts); c.269A>G, p.Gln90Arg (NM_001351657.2, NM_001351658.2, NM_001351659.2); short protein forms Q80R, Q90R.
Identifiers: ClinVar variation 1944888 (VCV001944888.5), dbSNP rs1488376894, ClinGen allele CA370522664.